The following is an entry in ClinVar:

ClinVar aggregate classification (germline): Conflicting classifications of pathogenicity. Review status: criteria provided, conflicting classifications (1 of 4 stars). 3 submissions from 3 submitters: Uncertain significance (2); Likely benign (1). Last evaluated 2025-04-14.

Conditions:
Inborn genetic diseases. Identifiers: MedGen C0950123, MeSH D030342.
Immunodeficiency 23 (IMD23). Also called: IMMUNODEFICIENCY WITH HYPER IgE AND COGNITIVE IMPAIRMENT; IMMUNODEFICIENCY-VASCULITIS-MYOCLONUS SYNDROME. Identifiers: Orphanet 443811, MedGen C4014371, MONDO:0014353, OMIM 615816.

Allele frequency attached by ClinVar (database versions not stated): ESP Exome Variant Server 0.00015; gnomAD 0.00030 and 0.00033; gnomAD exomes 0.00009; 1000 Genomes Project 30x 0.00016; 1000 Genomes Project 0.00020; ExAC 0.00007; TOPMed 0.00032.
gnomAD v4.1: 100 of 1,614,018 alleles (0.0062%); highest among the groups gnomAD compares: African/African-American, 0.12%; no homozygotes.

Submissions (3):

Ambry Genetics
Classification: Uncertain significance for Inborn genetic diseases. Last evaluated: 2025-04-14. Review status: criteria provided, single submitter. Criteria: Ambry Variant Classification Scheme 2023. Collection method: clinical testing. Allele origin: germline.

Labcorp Genetics (formerly Invitae), Labcorp
Classification: Uncertain significance for Immunodeficiency 23. Last evaluated: 2025-01-27. Review status: criteria provided, single submitter. Criteria: Invitae Variant Classification Sherloc (09022015). Collection method: clinical testing. Allele origin: germline.
Comment: This sequence change replaces isoleucine, which is neutral and non-polar, with phenylalanine, which is neutral and non-polar, at codon 137 of the PGM3 protein (p.Ile137Phe). This variant is present in population databases (rs140499200, gnomAD 0.1%). This variant has not been reported in the literature in individuals affected with PGM3-related conditions. ClinVar contains an entry for this variant (Variation ID: 541843). An algorithm developed to predict the effect of missense changes on protein structure and function (PolyPhen-2) suggests that this variant is likely to be disruptive. In summary, the available evidence is currently insufficient to determine the role of this variant in disease. Therefore, it has been classified as a Variant of Uncertain Significance.

Women's Health and Genetics/Laboratory Corporation of America, LabCorp
Classification: Likely benign. Last evaluated: 2023-11-09. Review status: criteria provided, single submitter. Criteria: LabCorp Variant Classification Summary - May 2015. Collection method: clinical testing. Allele origin: germline.
Comment: Variant summary: PGM3 c.409A>T (p.Ile137Phe) results in a non-conservative amino acid change in the encoded protein sequence. Three of five in-silico tools predict a damaging effect of the variant on protein function. The variant allele was found at a frequency of 9.1e-05 in 251424 control chromosomes, predominantly at a frequency of 0.0012 within the African or African-American subpopulation in the gnomAD database. The observed variant frequency within African or African-American control individuals in the gnomAD database is approximately 3.39 fold of the estimated maximal expected allele frequency for a pathogenic variant in PGM3 causing Severe Combined Immunodeficiency phenotype (0.00035), strongly suggesting that the variant is a benign polymorphism found primarily in populations of African or African-American origin. To our knowledge, no occurrence of c.409A>T in individuals affected with Severe Combined Immunodeficiency and no experimental evidence demonstrating its impact on protein function have been reported. One submitter has cited clinical-significance assessments for this variant to ClinVar after 2014 and has classified the variant as uncertain significance. Based on the evidence outlined above, the variant was classified as likely benign.

NM_015599.3(PGM3):c.325A>T (p.Ile109Phe)

Gene: PGM3 (phosphoglucomutase 3; minus strand). Cytogenetic location: 6q14.1.
Variant type: single nucleotide variant.
Coding change: c.325A>T on transcript NM_015599.3 (MANE Select); coding-DNA position 325, A replaced by T.
Protein change: p.Ile109Phe; replaces isoleucine 109 with phenylalanine.
Molecular consequence: missense variant. On other transcripts: non-coding transcript variant (1).
Genome position (GRCh38, 1-based): chr6:83,188,678, T>A on the plus strand (A>T on the coding strand, the complement: PGM3 is on the minus strand). VCF-style: chr6-83188678-T-A. GRCh37 (hg19) VCF-style: chr6-83898397-T-A.
Other names: c.409A>T, p.Ile137Phe (NM_001199917.2, NM_001367287.1); c.82A>T, p.Ile28Phe (NM_001199918.2); c.325A>T, p.Ile109Phe (NM_001199919.2, NM_001367286.1); short protein forms I137F, I109F, I28F.
Identifiers: ClinVar variation 541843 (VCV000541843.11), dbSNP rs140499200, ClinGen allele CA3906838.